The following is an entry in ClinVar:

ClinVar aggregate classification (germline): Conflicting classifications of pathogenicity. Review status: criteria provided, conflicting classifications (1 of 4 stars). 2 submissions from 2 submitters: Uncertain significance (1); Likely benign (1). Last evaluated 2022-12-06.

Conditions:
Tuberous sclerosis 2 (TSC2). Identifiers: Orphanet 805, MedGen C1860707, MONDO:0013199, OMIM 613254.
Hereditary cancer-predisposing syndrome. Also called: Neoplastic Syndromes, Hereditary; Tumor predisposition; Hereditary Cancer Syndrome; Hereditary neoplastic syndrome. Identifiers: Orphanet 140162, MedGen C0027672, MeSH D009386, MONDO:0015356.

Submissions (2):

Labcorp Genetics (formerly Invitae), Labcorp
Classification: Uncertain significance for Tuberous sclerosis 2. Last evaluated: 2022-12-06. Review status: criteria provided, single submitter. Criteria: Invitae Variant Classification Sherloc (09022015). Collection method: clinical testing. Allele origin: germline.
Comment: This sequence change affects codon 166 of the TSC2 mRNA. It is a 'silent' change, meaning that it does not change the encoded amino acid sequence of the TSC2 protein. This variant is not present in population databases (gnomAD no frequency). This variant has not been reported in the literature in individuals affected with TSC2-related conditions. ClinVar contains an entry for this variant (Variation ID: 1744581). Algorithms developed to predict the effect of sequence changes on RNA splicing suggest that this variant may disrupt the consensus splice site. In summary, the available evidence is currently insufficient to determine the role of this variant in disease. Therefore, it has been classified as a Variant of Uncertain Significance.

Ambry Genetics
Classification: Likely benign for Hereditary cancer-predisposing syndrome. Last evaluated: 2020-01-06. Review status: criteria provided, single submitter. Criteria: Ambry Variant Classification Scheme 2023. Collection method: clinical testing. Allele origin: germline.

NM_000548.5(TSC2):c.498G>A (p.Gln166=)

Gene: TSC2 (TSC complex subunit 2; plus strand). Cytogenetic location: 16p13.3.
Variant type: single nucleotide variant.
Coding change: c.498G>A on transcript NM_000548.5 (MANE Select); coding-DNA position 498, G replaced by A.
Protein change: p.Gln166=; no amino-acid change (glutamine 166 retained).
Molecular consequence: synonymous variant. On other transcripts: 5 prime UTR variant (13), non-coding transcript variant (5), splice acceptor variant (1), intron variant (6).
Genome position (GRCh38, 1-based): chr16:2,055,418, G>A. VCF-style: chr16-2055418-G-A. GRCh37 (hg19) VCF-style: chr16-2105419-G-A.
Other names: c.351G>A, p.Gln117= (NM_001318829.2, NM_001406675.1, NM_001406676.1 and 1 more transcripts); c.531G>A, p.Gln177= (NM_001318832.2); c.498G>A, p.Gln166= (NM_001363528.2, NM_001370404.1, NM_001370405.1 and 8 more transcripts); c.588G>A, p.Gln196= (NM_001406667.1, NM_001406668.1); c.387G>A, p.Gln129= (NM_001406670.1, NM_001406678.1, NM_001318827.2); c.441G>A, p.Gln147= (NM_001406677.1); c.-319G>A (NM_001406687.1, NM_001406680.1, NM_001406683.1); c.-934G>A (NM_001406689.1, NM_001406697.1, NM_001406690.1 and 2 more transcripts); and 6 more.
Identifiers: ClinVar variation 1744581 (VCV001744581.7), dbSNP rs2085655247, ClinGen allele CA492955732.
Genomic context (GRCh38, chr16:2,055,418, plus strand): 5'-TGTAGATTCGGCGTCCTCGCAAACTGCCGCCGCTTCTCCCCCAGCTGACTTTGTCCTGCA[G>A]TGGATGGATGTTGGCTTGTCCTCGGAATTCCTTCTGGTGCTGGTGAACTTGGTCAAATTC-3'
Protein context (NP_000539.2, residues 156-176): LEEELADFVL[Gln166=]WMDVGLSSEF